The following is an entry in ClinVar:

ClinVar aggregate classification (germline): Likely pathogenic (1 of 4 stars; one submission).

Conditions:
Developmental and epileptic encephalopathy, 32 (DEE32). Also called: Epileptic encephalopathy, early infantile, 32. Identifiers: Orphanet 442835, MedGen C4225350, MONDO:0014607, OMIM 616366.

Submission:

Labcorp Genetics (formerly Invitae), Labcorp
Classification: Likely pathogenic for Developmental and epileptic encephalopathy, 32. Last evaluated: 2022-09-03. Review status: criteria provided, single submitter. Criteria: Invitae Variant Classification Sherloc (09022015). Collection method: clinical testing. Allele origin: germline.
Comment: In summary, the currently available evidence indicates that the variant is pathogenic, but additional data are needed to prove that conclusively. Therefore, this variant has been classified as Likely Pathogenic. This variant disrupts the p.Val408 amino acid residue in KCNA2. Other variant(s) that disrupt this residue have been determined to be pathogenic (PMID: 27062609). This suggests that this residue is clinically significant, and that variants that disrupt this residue are likely to be disease-causing. Advanced modeling of protein sequence and biophysical properties (such as structural, functional, and spatial information, amino acid conservation, physicochemical variation, residue mobility, and thermodynamic stability) performed at Invitae indicates that this missense variant is expected to disrupt KCNA2 protein function. This variant has not been reported in the literature in individuals affected with KCNA2-related conditions. This variant is not present in population databases (gnomAD no frequency). This sequence change replaces valine, which is neutral and non-polar, with glycine, which is neutral and non-polar, at codon 408 of the KCNA2 protein (p.Val408Gly). ClinVar contains an entry for this variant (Variation ID: 853263).

Literature cited by the submitters: PubMed 27062609.

NM_004974.4(KCNA2):c.1223T>G (p.Val408Gly)

Gene: KCNA2 (potassium voltage-gated channel subfamily A member 2; minus strand). Cytogenetic location: 1p13.3.
Variant type: single nucleotide variant.
Coding change: c.1223T>G on transcript NM_004974.4 (MANE Select); coding-DNA position 1223, T replaced by G.
Protein change: p.Val408Gly; replaces valine 408 with glycine.
Molecular consequence: missense variant. On other transcripts: intron variant (1).
Genome position (GRCh38, 1-based): chr1:110,603,560, A>C on the plus strand (T>G on the coding strand, the complement: KCNA2 is on the minus strand). VCF-style: chr1-110603560-A-C. GRCh37 (hg19) VCF-style: chr1-111146182-A-C.
Other names: c.894+329T>G (NM_001204269.2); short protein forms V408G.
Identifiers: ClinVar variation 853263 (VCV000853263.10), dbSNP rs1570752696, ClinGen allele CA341601251.